The following is an entry in ClinVar:

ClinVar aggregate classification (germline): Uncertain significance (1 of 4 stars; one submission).

Conditions:
Dilated cardiomyopathy 1II (CMD1II). Identifiers: Orphanet 154, MedGen C3554649, MONDO:0014073, OMIM 615184.

gnomAD v4.1: 2 of 1,614,238 alleles (0.00012%); highest among the groups gnomAD compares: Non-Finnish European, 0.00017%; no homozygotes.

Submission:

Labcorp Genetics (formerly Invitae), Labcorp
Classification: Uncertain significance for Dilated cardiomyopathy 1II. Last evaluated: 2025-12-06. Review status: criteria provided, single submitter. Criteria: Invitae Variant Classification Sherloc (09022015). Collection method: clinical testing. Allele origin: germline.
Comment: This sequence change replaces aspartic acid, which is acidic and polar, with asparagine, which is neutral and polar, at codon 96 of the CRYAB protein (p.Asp96Asn). This variant is not present in population databases (gnomAD no frequency). This variant has not been reported in the literature in individuals affected with CRYAB-related conditions. An algorithm developed to predict the effect of missense changes on protein structure and function (PolyPhen-2) suggests that this variant is likely to be disruptive. In summary, the available evidence is currently insufficient to determine the role of this variant in disease. Therefore, it has been classified as a Variant of Uncertain Significance.

NM_001289808.2(CRYAB):c.286G>A (p.Asp96Asn)

Gene: CRYAB (crystallin alpha B; minus strand). Cytogenetic location: 11q23.1.
Variant type: single nucleotide variant.
Coding change: c.286G>A on transcript NM_001289808.2 (MANE Select); coding-DNA position 286, G replaced by A.
Protein change: p.Asp96Asn; replaces aspartic acid 96 with asparagine.
Molecular consequence: missense variant.
Genome position (GRCh38, 1-based): chr11:111,910,365, C>T on the plus strand (G>A on the coding strand, the complement: CRYAB is on the minus strand). VCF-style: chr11-111910365-C-T. GRCh37 (hg19) VCF-style: chr11-111781089-C-T.
Other names: c.286G>A, p.Asp96Asn (NM_001289807.1, NM_001368245.1, NM_001885.3); c.85G>A, p.Asp29Asn (NM_001330379.1, NM_001368246.1); short protein forms D29N, D96N.
Identifiers: ClinVar variation 4778434 (VCV004778434.1).